The following is an entry in ClinVar:

ClinVar aggregate classification (germline): Pathogenic (1 of 4 stars; one submission).

Conditions:
Neuromuscular disease caused by qualitative or quantitative defects of dystrophin. Also called: Qualitative or quantitative defects of dystrophin. Identifiers: Orphanet 207085, MedGen C5679787, MONDO:0016147.

Submission:

Women's Health and Genetics/Laboratory Corporation of America, LabCorp
Classification: Pathogenic for Neuromuscular disease caused by qualitative or quantitative defects of dystrophin. Last evaluated: 2022-11-11. Review status: criteria provided, single submitter. Criteria: LabCorp Variant Classification Summary - May 2015. Collection method: clinical testing. Allele origin: germline.
Comment: Variant summary: The variant identified by MLPA or other technology involves the deletion of exons 35-44 in the DMD gene. A presumed nomenclature of c.(4845+1_4846-1)_(6438+1_6439-1)del has been designated for the purposes of this classification. Although exact breakpoints of this deletion are not known, it is expected to result in a large in-frame deletion in the DMD gene. The variant was absent in 16120 control chromosomes (gnomAD, structural variants data set). Deletion of exons 35-44 has been reported in the literature in individuals affected with Dystrophinopathies (examples. Beggs_1991, Muntoni_1993, Carsana_2010, and Nallamilli_2021). These data indicate that the variant is likely to be associated with disease. One clinical diagnostic laboratory has submitted clinical-significance assessments for similar deletions to ClinVar after 2014 and classified the variants as pathogenic. Based on the evidence outlined above, the variant was classified as pathogenic.

Literature cited by the submitters: PubMed 2063877; PubMed 20036901; PubMed 33644936; PubMed 8429320.

NC_000023.10:g.(31986632_32235032)_(32383317_32398626)del

Gene: DMD (dystrophin; minus strand). Cytogenetic location: Xp21.1.
Variant type: Deletion.
Identifiers: ClinVar variation 1804761 (VCV001804761.1).